The following is an entry in ClinVar:

ClinVar aggregate classification (germline): Conflicting classifications of pathogenicity. Review status: criteria provided, conflicting classifications (1 of 4 stars). 2 submissions from 2 submitters: Uncertain significance (1); Likely benign (1). Last evaluated 2025-08-09.

Allele frequency attached by ClinVar (database versions not stated): gnomAD 0.00005 and 0.00006; TOPMed 0.00006; gnomAD exomes 0.00007 and 0.00012; ExAC 0.00015.
gnomAD v4.1: 176 of 1,573,124 alleles (0.011%); highest among the groups gnomAD compares: Non-Finnish European, 0.015%; no homozygotes.

Submissions (2):

Ambry Genetics
Classification: Likely benign. Last evaluated: 2025-08-09. Review status: criteria provided, single submitter. Criteria: Ambry Variant Classification Scheme 2023. Collection method: clinical testing. Allele origin: germline.

Labcorp Genetics (formerly Invitae), Labcorp
Classification: Uncertain significance. Last evaluated: 2025-01-15. Review status: criteria provided, single submitter. Criteria: Invitae Variant Classification Sherloc (09022015). Collection method: clinical testing. Allele origin: germline.
Comment: This sequence change replaces alanine, which is neutral and non-polar, with threonine, which is neutral and polar, at codon 820 of the DGKZ protein (p.Ala820Thr). The frequency data for this variant in the population databases is considered unreliable, as metrics indicate poor data quality at this position in the gnomAD database. This variant has not been reported in the literature in individuals affected with DGKZ-related conditions. ClinVar contains an entry for this variant (Variation ID: 1384365). An algorithm developed to predict the effect of missense changes on protein structure and function outputs the following: PolyPhen-2: "Benign". The threonine amino acid residue is found in multiple mammalian species, which suggests that this missense change does not adversely affect protein function. In summary, the available evidence is currently insufficient to determine the role of this variant in disease. Therefore, it has been classified as a Variant of Uncertain Significance.

NM_001199267.2(DGKZ):c.1891G>A (p.Ala631Thr)

Gene: DGKZ (diacylglycerol kinase zeta; plus strand). Cytogenetic location: 11p11.2.
Variant type: single nucleotide variant.
Coding change: c.1891G>A on transcript NM_001199267.2 (MANE Select); coding-DNA position 1891, G replaced by A.
Protein change: p.Ala631Thr; replaces alanine 631 with threonine.
Molecular consequence: missense variant.
Genome position (GRCh38, 1-based): chr11:46,375,615, G>A. VCF-style: chr11-46375615-G-A. GRCh37 (hg19) VCF-style: chr11-46397165-G-A.
Other names: c.2458G>A (NM_001105540.1); c.2458G>A, p.Ala820Thr (NM_001105540.2); c.1894G>A, p.Ala632Thr (NM_001199266.2, NM_003646.4); c.1825G>A, p.Ala609Thr (NM_001199268.2); c.1942G>A, p.Ala648Thr (NM_201532.3); c.1906G>A, p.Ala636Thr (NM_201533.3); short protein forms A820T, A609T, A632T, A636T, A631T, A648T.
Identifiers: ClinVar variation 1384365 (VCV001384365.7), dbSNP rs558925508, ClinGen allele CA5962983.
Genomic context (GRCh38, chr11:46,375,615, plus strand): 5'-ATCCGCATCGCCCTGCGCAACCAGGCCACCATGGTGCAGAAGGCCAAGCGGCGGAGCGCC[G>A]CCCCCCTGCACAGCGAGTACGTCCCACCCTGCCACGTGCCCTGGGTGCCAAGGCCAGACC-3'
Protein context (NP_001186196.1, residues 621-641): MVQKAKRRSA[Ala631Thr]PLHSDQQPVP